The following is an entry in ClinVar:

ClinVar aggregate classification (germline): Uncertain significance (1 of 4 stars; one submission).

gnomAD v4.1: 4 of 1,613,462 alleles (0.00025%); highest among the groups gnomAD compares: Non-Finnish European, 0.00034%; no homozygotes.

Submission:

Labcorp Genetics (formerly Invitae), Labcorp
Classification: Uncertain significance. Last evaluated: 2025-10-15. Review status: criteria provided, single submitter. Criteria: Invitae Variant Classification Sherloc (09022015). Collection method: clinical testing. Allele origin: germline.
Comment: This sequence change replaces proline, which is neutral and non-polar, with serine, which is neutral and polar, at codon 107 of the ETV6 protein (p.Pro107Ser). This variant is not present in population databases (gnomAD no frequency). This variant has not been reported in the literature in individuals affected with ETV6-related conditions. Invitae Evidence Modeling of protein sequence and biophysical properties (such as structural, functional, and spatial information, amino acid conservation, physicochemical variation, residue mobility, and thermodynamic stability) indicates that this missense variant is not expected to disrupt ETV6 protein function with a negative predictive value of 80%. In summary, the available evidence is currently insufficient to determine the role of this variant in disease. Therefore, it has been classified as a Variant of Uncertain Significance.

NM_001987.5(ETV6):c.319C>T (p.Pro107Ser)

Genes: ETV6 (ETS variant transcription factor 6; plus strand), LOC126861451 (BRD4-independent group 4 enhancer GRCh37_chr12:11991350-11992549; plus strand). Cytogenetic location: 12p13.2.
Variant type: single nucleotide variant.
Coding change: c.319C>T on transcript NM_001987.5 (MANE Select); coding-DNA position 319, C replaced by T.
Protein change: p.Pro107Ser; replaces proline 107 with serine.
Molecular consequence: missense variant.
Genome position (GRCh38, 1-based): chr12:11,839,295, C>T. VCF-style: chr12-11839295-C-T. GRCh37 (hg19) VCF-style: chr12-11992229-C-T.
Other names: c.316C>T, p.Pro106Ser (NM_001413913.1); c.292C>T, p.Pro98Ser (NM_001413914.1); c.55C>T, p.Pro19Ser (NM_001413915.1); c.319C>T, p.Pro107Ser (NM_001413916.1, NM_001413917.1, NM_001413918.1); short protein forms P19S, P107S, P98S, P106S.
Identifiers: ClinVar variation 4738983 (VCV004738983.1).